The following is an entry in ClinVar:

ClinVar aggregate classification (germline): Uncertain significance (1 of 4 stars; one submission).

gnomAD v4.1: 2 of 1,612,464 alleles (0.00012%); highest among the groups gnomAD compares: Non-Finnish European, 0.00017%; no homozygotes.

Submission:

Labcorp Genetics (formerly Invitae), Labcorp
Classification: Uncertain significance. Last evaluated: 2025-03-16. Review status: criteria provided, single submitter. Criteria: Invitae Variant Classification Sherloc (09022015). Collection method: clinical testing. Allele origin: germline.
Comment: This sequence change replaces leucine, which is neutral and non-polar, with proline, which is neutral and non-polar, at codon 285 of the NKX3-2 protein (p.Leu285Pro). This variant is not present in population databases (gnomAD no frequency). This variant has not been reported in the literature in individuals affected with NKX3-2-related conditions. Invitae Evidence Modeling of protein sequence and biophysical properties (such as structural, functional, and spatial information, amino acid conservation, physicochemical variation, residue mobility, and thermodynamic stability) has been performed for this missense variant. However, the output from this modeling did not meet the statistical confidence thresholds required to predict the impact of this variant on NKX3-2 protein function. In summary, the available evidence is currently insufficient to determine the role of this variant in disease. Therefore, it has been classified as a Variant of Uncertain Significance.

NM_001189.4(NKX3-2):c.854T>C (p.Leu285Pro)

Gene: NKX3-2 (NK3 homeobox 2; minus strand). Cytogenetic location: 4p15.33.
Variant type: single nucleotide variant.
Coding change: c.854T>C on transcript NM_001189.4 (MANE Select); coding-DNA position 854, T replaced by C.
Protein change: p.Leu285Pro; replaces leucine 285 with proline.
Molecular consequence: missense variant.
Genome position (GRCh38, 1-based): chr4:13,542,141, A>G on the plus strand (T>C on the coding strand, the complement: NKX3-2 is on the minus strand). VCF-style: chr4-13542141-A-G. GRCh37 (hg19) VCF-style: chr4-13543765-A-G.
Other names: short protein forms L285P.
Identifiers: ClinVar variation 4745622 (VCV004745622.1).